The following is an entry in ClinVar:

ClinVar aggregate classification (germline): Likely benign. Review status: criteria provided, multiple submitters, no conflicts (2 of 4 stars). 2 submissions from 2 submitters: Likely benign (2). Last evaluated 2023-10-02.

Conditions:
Marfan syndrome (MFS). Also called: Marfan's syndrome; Marfan syndrome, classic; MARFAN SYNDROME, TYPE I; Marfan syndrome type 1; FBN1-Related Marfan Syndrome. Identifiers: Orphanet 284963, Orphanet 558, MedGen C0024796, MONDO:0007947, OMIM 154700.
Familial thoracic aortic aneurysm and aortic dissection (TAAD). Also called: Thoracic aortic aneurysms and dissections. Identifiers: Orphanet 91387, MedGen C4707243, MONDO:0019625.

Allele frequency attached by ClinVar (database versions not stated): gnomAD exomes below 0.00001; TOPMed below 0.00001.
gnomAD v4.1: 3 of 1,613,758 alleles (0.00019%); highest among the groups gnomAD compares: Non-Finnish European, 0.00025%; no homozygotes.

Submissions (2):

All of Us Research Program, National Institutes of Health
Classification: Likely benign for Marfan syndrome. Last evaluated: 2023-10-02. Review status: criteria provided, single submitter. Criteria: ACMG Guidelines, 2015. Collection method: clinical testing. Allele origin: germline. Inheritance: Autosomal dominant inheritance. Observed: 1 variant allele, 1 heterozygote.
Comment: This study involves interpretation of variants in research participants for the purpose of population health screening. Participant phenotype was not available at the time of variant classification. Additional details can be found in publication PMID: 35346344, PMCID: PMC8962531

Ambry Genetics
Classification: Likely benign for Familial thoracic aortic aneurysm and aortic dissection. Last evaluated: 2019-12-30. Review status: criteria provided, single submitter. Criteria: Ambry Variant Classification Scheme 2023. Collection method: clinical testing. Allele origin: germline.

NM_000138.5(FBN1):c.2334T>C (p.Asn778=)

Gene: FBN1 (fibrillin 1; minus strand). Cytogenetic location: 15q21.1.
Variant type: single nucleotide variant.
Coding change: c.2334T>C on transcript NM_000138.5 (MANE Select); coding-DNA position 2334, T replaced by C.
Protein change: p.Asn778=; no amino-acid change (asparagine 778 retained).
Molecular consequence: synonymous variant.
Genome position (GRCh38, 1-based): chr15:48,496,185, A>G on the plus strand (T>C on the coding strand, the complement: FBN1 is on the minus strand). VCF-style: chr15-48496185-A-G. GRCh37 (hg19) VCF-style: chr15-48788382-A-G.
Other names: c.2334T>C, p.Asn778= (NM_001406716.1).
Identifiers: ClinVar variation 1789763 (VCV001789763.3), dbSNP rs2043607159, ClinGen allele CA490023085.